The following is an entry in ClinVar:

ClinVar aggregate classification (germline): Likely pathogenic (1 of 4 stars; one submission).

Conditions:
Hereditary breast ovarian cancer syndrome. Also called: BRCA1- and BRCA2-Associated Hereditary Breast and Ovarian Cancer; Hereditary breast and ovarian cancer syndrome (HBOC); Breast and ovarian cancer; Hereditary breast and ovarian cancer syndrome; Hereditary breast and/or ovarian cancer syndrome; Hereditary breast and ovarian cancer. Identifiers: Orphanet 145, MedGen C0677776, MeSH D061325, MONDO:0003582. Disease mechanism: loss of function.

Submission:

Women's Health and Genetics/Laboratory Corporation of America, LabCorp
Classification: Likely pathogenic for Hereditary breast ovarian cancer syndrome. Last evaluated: 2023-03-30. Review status: criteria provided, single submitter. Criteria: LabCorp Variant Classification Summary - May 2015. Collection method: clinical testing. Allele origin: germline.
Comment: Variant summary: BRCA1 c.5502_5503delCC (p.Glu1836ValfsX43) causes a frameshift and it is expected to disrupt the last 28 amino acids of the BRCA1 protein and extend it by another 14 amino acids. The variant was absent in 251334 control chromosomes (gnomAD). To our knowledge, no occurrence of c.5502_5503delCC in individuals affected with Hereditary Breast And Ovarian Cancer Syndrome and no experimental evidence demonstrating its impact on protein function have been reported. No clinical diagnostic laboratories have submitted clinical-significance assessments for this variant to ClinVar after 2014. Other truncated or frameshift variants downstream of this variant have been classified as pathogenic in our lab and ClinVar. Based on the evidence outlined above, the variant was classified as likely pathogenic.

NM_007294.4(BRCA1):c.5502_5503del (p.Glu1836fs)

Gene: BRCA1 (BRCA1 DNA repair associated; minus strand). Cytogenetic location: 17q21.31.
Variant type: Deletion.
Coding change: c.5502_5503del on transcript NM_007294.4 (MANE Select); coding-DNA positions 5502 to 5503, 2 bases deleted (CC; older notation c.5502_5503delCC).
Protein change: p.Glu1836fs; shifts the reading frame from glutamic acid 1836.
Molecular consequence: frameshift variant. On other transcripts: 3 prime UTR variant (17).
Genome position (GRCh38, 1-based): chr17:43,045,767-43,045,768, GG deleted on the plus strand (CC on the coding strand, the reverse complement: BRCA1 is on the minus strand); deleting any 2 consecutive bases within chr17:43,045,767-43,045,769 gives the same sequence; the c. name uses the placement nearest the transcript's 3' end. VCF-style (leftmost placement, unchanged base first): chr17-43045766-CGG-C. GRCh37 (hg19) VCF-style: chr17-41197783-CGG-C.
Other names: c.5502_5503delCC (NM_007294.3); c.5358_5359del, p.Glu1788fs (NM_001407749.1, NM_001407750.1, NM_001407751.1 and 18 more transcripts); c.5355_5356del, p.Glu1787fs (NM_001407838.1, NM_001407839.1, NM_001407841.1 and 12 more transcripts); c.*16_*17del (NM_001407854.1, NM_001407858.1, NM_001407859.1 and 14 more transcripts); c.5301_5302del, p.Glu1769fs (NM_001407862.1); c.5298_5299del, p.Glu1768fs (NM_001407863.1); c.5295_5296del, p.Glu1767fs (NM_001407874.1, NM_001407875.1); c.5292_5293del, p.Glu1766fs (NM_001407879.1, NM_001407881.1, NM_001407882.1 and 5 more transcripts); and 76 more; short protein forms E1539fs, E1540fs, E1667fs, E1682fs, E1707fs, E1708fs, E1709fs, E1723fs.
Identifiers: ClinVar variation 2501193 (VCV002501193.1), dbSNP rs397509291, ClinGen allele CA2580612622.